The following is an entry in ClinVar:

ClinVar aggregate classification (germline): Uncertain significance (1 of 4 stars; one submission).

Conditions:
Inborn genetic diseases. Identifiers: MedGen C0950123, MeSH D030342.

Submission:

Ambry Genetics
Classification: Uncertain significance for Inborn genetic diseases. Last evaluated: 2024-08-25. Review status: criteria provided, single submitter. Criteria: Ambry Variant Classification Scheme 2023. Collection method: clinical testing. Allele origin: germline.
Comment: The p.I516V variant (also known as c.1546A>G), located in coding exon 11 of the SLC12A6 gene, results from an A to G substitution at nucleotide position 1546. The isoleucine at codon 516 is replaced by valine, an amino acid with highly similar properties. This amino acid position is conserved. In addition, this alteration is predicted to be deleterious by in silico analysis. Based on the available evidence, the clinical significance of this variant remains unclear.

NM_001365088.1(SLC12A6):c.1546A>G (p.Ile516Val)

Gene: SLC12A6 (solute carrier family 12 member 6; minus strand). Cytogenetic location: 15q14.
Variant type: single nucleotide variant.
Coding change: c.1546A>G on transcript NM_001365088.1 (MANE Select); coding-DNA position 1546, A replaced by G.
Protein change: p.Ile516Val; replaces isoleucine 516 with valine.
Molecular consequence: missense variant.
Genome position (GRCh38, 1-based): chr15:34,250,676, T>C on the plus strand (A>G on the coding strand, the complement: SLC12A6 is on the minus strand). VCF-style: chr15-34250676-T-C. GRCh37 (hg19) VCF-style: chr15-34542877-T-C.
Other names: c.1369A>G, p.Ile457Val (NM_001042494.2, NM_001042495.2); c.1519A>G, p.Ile507Val (NM_001042496.2); c.1501A>G, p.Ile501Val (NM_001042497.2); c.1393A>G, p.Ile465Val (NM_005135.2); c.1546A>G, p.Ile516Val (NM_133647.2); short protein forms I501V, I465V, I457V, I507V, I516V.
Identifiers: ClinVar variation 3442556 (VCV003442556.1).